The following is an entry in ClinVar:

NM_001127222.2(CACNA1A):c.271G>A (p.Ala91Thr)

Gene: CACNA1A (calcium voltage-gated channel subunit alpha1 A; minus strand). Cytogenetic location: 19p13.13.
Variant type: single nucleotide variant.
Coding change: c.271G>A on transcript NM_001127222.2 (MANE Select); coding-DNA position 271, G replaced by A.
Protein change: p.Ala91Thr; replaces alanine 91 with threonine.
Molecular consequence: missense variant.
Genome position (GRCh38, 1-based): chr19:13,505,954, C>T on the plus strand (G>A on the coding strand, the complement: CACNA1A is on the minus strand). VCF-style: chr19-13505954-C-T. GRCh37 (hg19) VCF-style: chr19-13616768-C-T.
Other names: c.271G>A, p.Ala91Thr (NM_000068.4, NM_001127221.2, NM_001174080.2 and 1 more transcripts); short protein forms A91T.
Identifiers: ClinVar variation 3754171 (VCV003754171.2).

ClinVar aggregate classification (germline): Uncertain significance (1 of 4 stars; one submission).

Conditions:
Episodic ataxia type 2 (EA2). Also called: ATAXIA, EPISODIC, WITH NYSTAGMUS; ATAXIA, FAMILIAL PAROXYSMAL; ACETAZOLAMIDE-RESPONSIVE HEREDITARY PAROXYSMAL CEREBELLAR ATAXIA; CEREBELLAR ATAXIA, PAROXYSMAL, ACETAZOLAMIDE-RESPONSIVE; CEREBELLOPATHY, HEREDITARY PAROXYSMAL; EPISODIC ATAXIA, NYSTAGMUS-ASSOCIATED. Identifiers: Orphanet 97, MedGen C1720416, MONDO:0007163, OMIM 108500.
Developmental and epileptic encephalopathy, 42 (DEE42A). Also called: Epileptic encephalopathy, early infantile, 42; DEVELOPMENTAL AND EPILEPTIC ENCEPHALOPATHY 42A; EPILEPTIC ENCEPHALOPATHY, EARLY INFANTILE, 42A. Identifiers: MedGen C4310716, MONDO:0014917, OMIM 617106.

Submission:

Labcorp Genetics (formerly Invitae), Labcorp
Classification: Uncertain significance for Developmental and epileptic encephalopathy, 42; Episodic ataxia type 2. Last evaluated: 2024-11-07. Review status: criteria provided, single submitter. Criteria: Invitae Variant Classification Sherloc (09022015). Collection method: clinical testing. Allele origin: germline.
Comment: This sequence change replaces alanine, which is neutral and non-polar, with threonine, which is neutral and polar, at codon 91 of the CACNA1A protein (p.Ala91Thr). This variant is not present in population databases (gnomAD no frequency). This variant has not been reported in the literature in individuals affected with CACNA1A-related conditions. Invitae Evidence Modeling of protein sequence and biophysical properties (such as structural, functional, and spatial information, amino acid conservation, physicochemical variation, residue mobility, and thermodynamic stability) has been performed for this missense variant. However, the output from this modeling did not meet the statistical confidence thresholds required to predict the impact of this variant on CACNA1A protein function. In summary, the available evidence is currently insufficient to determine the role of this variant in disease. Therefore, it has been classified as a Variant of Uncertain Significance.